The following is an entry in ClinVar:

ClinVar aggregate classification (germline): Conflicting classifications of pathogenicity. Review status: criteria provided, conflicting classifications (1 of 4 stars). 6 submissions from 5 submitters: Pathogenic (3); Likely pathogenic (1); Uncertain significance (2). Last evaluated 2025-07-03.

Conditions:
Hyperinsulinemic hypoglycemia, familial, 1 (HHF1). Also called: HYPERINSULINISM, FAMILIAL, WITH PANCREATIC NESIDIOBLASTOSIS; HYPOGLYCEMIA, HYPERINSULINEMIC, OF INFANCY; Persistent hyperinsulinemic hypoglycemia of infancy; Persistent Hyperinsulinemia Hypoglycemia of Infancy; NESIDIOBLASTOSIS OF PANCREAS. Identifiers: Orphanet 276575, Orphanet 276598, MedGen C2931832, MONDO:0009734, OMIM 256450.
Diabetes mellitus, transient neonatal, 2 (TNDM2). Identifiers: Orphanet 99886, MedGen C1835887, MONDO:0012480, OMIM 610374. Disease mechanism: loss of function.
Maturity-onset diabetes of the young (MODY). Also called: Maturity onset diabetes mellitus in young. Identifiers: Orphanet 552, MedGen C0342276, MONDO:0018911, HP:0004904.
Type 2 diabetes mellitus. Also called: Type II diabetes mellitus. Identifiers: MedGen C0011860, MeSH D003924, MONDO:0005148, OMIM 125853, HP:0005978.

Submissions (6):

Myriad Genetics, Inc.
Classification: Pathogenic for Hyperinsulinemic hypoglycemia, familial, 1. Last evaluated: 2025-07-03. Review status: criteria provided, single submitter. Criteria: Myriad Autosomal Dominant, Autosomal Recessive and X-Linked Classification Criteria (2023). Collection method: clinical testing. Allele origin: unknown.
Comment: NM_000352.3(ABCC8):c.4138_4140delACCinsCA(T1380Qfs*80) is a frameshift variant classified as pathogenic in the context of familial hyperinsulinism, ABCC8-related. T1380Qfs*80 has been observed in a case with relevant disease (PMID: 25555642). Relevant functional assessments of this variant are not available in the literature. T1380Qfs*80 has not been observed in referenced population frequency databases. In summary, NM_000352.3(ABCC8):c.4138_4140delACCinsCA(T1380Qfs*80) is a frameshift variant in a gene where loss of function is a known mechanism of disease, is predicted to disrupt protein function, and has been observed more frequently in cases with the relevant disease than in healthy populations. Please note: this variant was assessed in the context of healthy population screening.

Clinical Genomics, Uppaluri K&H Personalized Medicine Clinic
Classification: Uncertain significance for Diabetes mellitus, transient neonatal, 2. Last evaluated: 2024-02-21. Review status: criteria provided, single submitter. Criteria: K & H Uppaluri Personalized Medicine Clinic Variant Classification & Assertion Criteria_Updated V.1. Collection method: research. Allele origin: unknown.
Comment: Mutations in the ABCC8 gene, which encodes the sulfonylurea receptor (SUR1) regulating the ATP-sensitive potassium channel in pancreatic β-cells, disrupt insulin secretion control. These mutations reduce ATP sensitivity and increase ADP sensitivity, leading to various diabetes forms, including neonatal diabetes, MODY, and type 2 diabetes. Notably, heterozygous gain-of-function mutations in ABCC8 are specifically linked to MODY and transient neonatal diabetes. This variant is an insertion/deletion variant that can lead to a frameshift and can potentially have a high impact on protein structure/function. However, no sufficient evidence is found to ascertain the role of this particular variant (rs1953899672) in neonatal diabetes yet.

Labcorp Genetics (formerly Invitae), Labcorp
Classification: Pathogenic. Last evaluated: 2024-01-12. Review status: criteria provided, single submitter. Criteria: Invitae Variant Classification Sherloc (09022015). Collection method: clinical testing. Allele origin: germline.
Comment: This sequence change creates a premature translational stop signal (p.Thr1380Glnfs*80) in the ABCC8 gene. It is expected to result in an absent or disrupted protein product. Loss-of-function variants in ABCC8 are known to be pathogenic (PMID: 20685672, 23345197). Information on the frequency of this variant in the gnomAD database is not available, as this variant may be reported differently in the database. This premature translational stop signal has been observed in individual(s) with autosomal recessive congenital hyperinsulinism (PMID: 25555642). For these reasons, this variant has been classified as Pathogenic.

Baylor Genetics
Classification: Pathogenic for Type 2 diabetes mellitus. Last evaluated: 2023-09-06. Review status: criteria provided, single submitter. Criteria: ACMG Guidelines, 2015. Collection method: clinical testing. Allele origin: unknown.

Revvity Omics, Revvity
Classification: Likely pathogenic. Last evaluated: 2021-11-02. Review status: criteria provided, single submitter. Criteria: ACMG Guidelines, 2015. Collection method: clinical testing. Allele origin: germline.

Clinical Genomics, Uppaluri K&H Personalized Medicine Clinic
Classification: Uncertain significance for Maturity-onset diabetes of the young. Review status: criteria provided, single submitter. Criteria: K & H Uppaluri Personalized Medicine Clinic Variant Classification & Assertion Criteria_Updated V.1. Collection method: research. Allele origin: somatic. Inheritance: Somatic mutation.
Comment: Mutations in ABCC8 gene are associated with both neonatal diabetes mellitus as well as MODY. Patients with this mutation may have a better response to sulfonylureas. However, no sufficient evidence is found to ascertain the role of this particular variant (rs1953899672) in MODY yet.

Literature cited by the submitters: PubMed 25555642 (cited by Myriad Genetics, Inc. and Labcorp Genetics (formerly Invitae), Labcorp); PubMed 36836406 (cited by Clinical Genomics, Uppaluri K&H Personalized Medicine Clinic); PubMed 33185579 (cited by Clinical Genomics, Uppaluri K&H Personalized Medicine Clinic); PubMed 20685672 (cited by Labcorp Genetics (formerly Invitae), Labcorp); PubMed 23345197 (cited by Labcorp Genetics (formerly Invitae), Labcorp); PubMed 16885549 (cited by Clinical Genomics, Uppaluri K&H Personalized Medicine Clinic); PubMed 21989597 (cited by Clinical Genomics, Uppaluri K&H Personalized Medicine Clinic); PubMed 27538677 (cited by Clinical Genomics, Uppaluri K&H Personalized Medicine Clinic); PubMed 18981553 (cited by Clinical Genomics, Uppaluri K&H Personalized Medicine Clinic); PubMed 32027066 (cited by Clinical Genomics, Uppaluri K&H Personalized Medicine Clinic); PubMed 16613899 (cited by Clinical Genomics, Uppaluri K&H Personalized Medicine Clinic); PubMed 18025408 (cited by Clinical Genomics, Uppaluri K&H Personalized Medicine Clinic); PubMed 32792356 (cited by Clinical Genomics, Uppaluri K&H Personalized Medicine Clinic).

NM_000352.6(ABCC8):c.4138_4140delinsCA (p.Thr1380fs)

Gene: ABCC8 (ATP binding cassette subfamily C member 8; minus strand). Cytogenetic location: 11p15.1.
Variant type: Indel.
Coding change: c.4138_4140delinsCA on transcript NM_000352.6 (MANE Select); coding-DNA positions 4138 to 4140, ACC replaced by CA.
Protein change: p.Thr1380fs; shifts the reading frame from threonine 1380.
Molecular consequence: frameshift variant. On other transcripts: non-coding transcript variant (1).
Genome position (GRCh38, 1-based): chr11:17,395,910-17,395,912, GGT replaced by TG on the plus strand (ACC replaced by CA on the coding strand, the reverse complement: ABCC8 is on the minus strand). VCF-style: chr11-17395910-GGT-TG. GRCh37 (hg19) VCF-style: chr11-17417457-GGT-TG.
Other names: c.4141_4143delinsCA, p.Thr1381fs (NM_001287174.3); c.4204_4206delinsCA, p.Thr1402fs (NM_001351295.2); c.4138_4140delinsCA, p.Thr1380fs (NM_001351296.2); c.4135_4137delinsCA, p.Thr1379fs (NM_001351297.2); short protein forms T1380fs, T1381fs, T1379fs, T1402fs.
Identifiers: ClinVar variation 968215 (VCV000968215.14), dbSNP rs1953899672, ClinGen allele CA1139661848.
Genomic context (GRCh38, chr11:17,395,910, plus strand): 5'-ACCTTCGAACGTGTCCACCATGCGGAAGAAGGCAAGAGAGAAGGAGGACTTCCCACTGCC[GGT>TG]GCGGCCGCAGATCCCGATCTGGAAAGAGAGAAGCAGGCACCGCCACTGGGACTCTGGGGC-3'